The following is an entry in ClinVar:

ClinVar aggregate classification (germline): Uncertain significance (1 of 4 stars; one submission).

Conditions:
Inborn genetic diseases. Identifiers: MedGen C0950123, MeSH D030342.

Submission:

Ambry Genetics
Classification: Uncertain significance for Inborn genetic diseases. Last evaluated: 2024-08-02. Review status: criteria provided, single submitter. Criteria: Ambry Variant Classification Scheme 2023. Collection method: clinical testing. Allele origin: germline.
Comment: The p.I831K variant (also known as c.2492T>A), located in coding exon 11 of the ATR gene, results from a T to A substitution at nucleotide position 2492. The isoleucine at codon 831 is replaced by lysine, an amino acid with dissimilar properties. This amino acid position is conserved. In addition, this alteration is predicted to be deleterious by in silico analysis. Based on the available evidence, the clinical significance of this variant remains unclear.

NM_001184.4(ATR):c.2492T>A (p.Ile831Lys)

Gene: ATR (ATR serine/threonine kinase; minus strand). Cytogenetic location: 3q23.
Variant type: single nucleotide variant.
Coding change: c.2492T>A on transcript NM_001184.4 (MANE Select); coding-DNA position 2492, T replaced by A.
Protein change: p.Ile831Lys; replaces isoleucine 831 with lysine.
Molecular consequence: missense variant.
Genome position (GRCh38, 1-based): chr3:142,553,865, A>T on the plus strand (T>A on the coding strand, the complement: ATR is on the minus strand). VCF-style: chr3-142553865-A-T. GRCh37 (hg19) VCF-style: chr3-142272707-A-T.
Other names: c.2300T>A, p.Ile767Lys (NM_001354579.2); short protein forms I767K, I831K.
Identifiers: ClinVar variation 3462501 (VCV003462501.1).
Genomic context (GRCh38, chr3:142,553,865, plus strand): 5'-TAAAAACAAAAATTATCAACCTCCTTTATAAATCCATCTTCAGAGTCCAAGGATTCCAAT[A>T]TGTGCTTGATATTTCCACTAAAAGCCACTCTAACATCTTTGTCTGGATCTTCCATTAAAT-3'
Protein context (NP_001175.2, residues 821-841): RVAFSGNIKH[Ile831Lys]LESLDSEDGF